The following is an entry in ClinVar:

ClinVar aggregate classification (germline): Uncertain significance (1 of 4 stars; one submission).

gnomAD v4.1: 1 of 1,612,914 alleles (0.000062%); highest among the groups gnomAD compares: African/African-American, 0.0013%; no homozygotes.

Submission:

Greenwood Genetic Center Diagnostic Laboratories, Greenwood Genetic Center
Classification: Uncertain significance. Last evaluated: 2024-09-17. Review status: criteria provided, single submitter. Criteria: ACMG Guidelines, 2015. Collection method: clinical testing. Allele origin: germline. Affected: yes.
Comment: PM1, PM2

NM_005035.4(POLRMT):c.3658G>A (p.Glu1220Lys)

Gene: POLRMT (RNA polymerase mitochondrial; minus strand). Cytogenetic location: 19p13.3.
Variant type: single nucleotide variant.
Coding change: c.3658G>A on transcript NM_005035.4 (MANE Select); coding-DNA position 3658, G replaced by A.
Protein change: p.Glu1220Lys; replaces glutamic acid 1220 with lysine.
Molecular consequence: missense variant. On other transcripts: non-coding transcript variant (1).
Genome position (GRCh38, 1-based): chr19:617,309, C>T on the plus strand (G>A on the coding strand, the complement: POLRMT is on the minus strand). VCF-style: chr19-617309-C-T. GRCh37 (hg19) VCF-style: chr19-617309-C-T.
Other names: c.3679G>A, p.Glu1227Lys (NM_001407805.1); c.3670G>A, p.Glu1224Lys (NM_001407806.1); c.3667G>A, p.Glu1223Lys (NM_001407807.1, NM_001407808.1); c.3649G>A, p.Glu1217Lys (NM_001407809.1); c.3646G>A, p.Glu1216Lys (NM_001407810.1); c.3637G>A, p.Glu1213Lys (NM_001407811.1); c.3619G>A, p.Glu1207Lys (NM_001407812.1); c.3616G>A, p.Glu1206Lys (NM_001407813.1); and 10 more; short protein forms E1086K, E1099K, E1109K, E1112K, E1119K, E1145K, E1186K, E1187K.
Identifiers: ClinVar variation 3765649 (VCV003765649.1).